The following is an entry in ClinVar:

ClinVar aggregate classification (germline): Uncertain significance (1 of 4 stars; one submission).

Conditions:
Cardiovascular phenotype. Identifiers: MedGen CN230736.

Allele frequency attached by ClinVar (database versions not stated): gnomAD exomes below 0.00001; ExAC 0.00001; gnomAD 0.00003; TOPMed 0.00004.

Submission:

Ambry Genetics
Classification: Uncertain significance for Cardiovascular phenotype. Last evaluated: 2020-05-14. Review status: criteria provided, single submitter. Criteria: Ambry Variant Classification Scheme 2023. Collection method: clinical testing. Allele origin: germline.
Comment: The p.V18694I variant (also known as c.56080G>A), located in coding exon 153 of the TTN gene, results from a G to A substitution at nucleotide position 56080. The valine at codon 18694 is replaced by isoleucine, an amino acid with highly similar properties. This amino acid position is well conserved in available vertebrate species; however, isoleucine is the reference amino acid in other vertebrate species. In addition, this alteration is predicted to be tolerated by in silico analysis. Since supporting evidence is limited at this time, the clinical significance of this alteration remains unclear.

NM_001267550.2(TTN):c.83275G>A (p.Val27759Ile)

Genes: TTN (titin; minus strand), TTN-AS1 (TTN antisense RNA 1; plus strand). Cytogenetic location: 2q31.2.
Variant type: single nucleotide variant.
Coding change: c.83275G>A on transcript NM_001267550.2 (MANE Select); coding-DNA position 83275, G replaced by A.
Protein change: p.Val27759Ile; replaces valine 27759 with isoleucine.
Molecular consequence: missense variant.
Genome position (GRCh38, 1-based): chr2:178,562,857, C>T on the plus strand (G>A on the coding strand, the complement: TTN is on the minus strand). VCF-style: chr2-178562857-C-T. GRCh37 (hg19) VCF-style: chr2-179427584-C-T.
Other names: c.78352G>A, p.Val26118Ile (NM_001256850.1); c.56080G>A, p.Val18694Ile (NM_003319.4); c.75571G>A, p.Val25191Ile (NM_133378.4); c.56455G>A, p.Val18819Ile (NM_133432.3); c.56656G>A, p.Val18886Ile (NM_133437.4); short protein forms V18886I, V25191I, V18694I, V18819I, V26118I, V27759I.
Identifiers: ClinVar variation 1748606 (VCV001748606.2), dbSNP rs749582041, ClinGen allele CA1988948.